The following is an entry in ClinVar:

ClinVar aggregate classification (germline): Uncertain significance (1 of 4 stars; one submission).

Submission:

CeGaT Center for Human Genetics Tuebingen
Classification: Uncertain significance. Last evaluated: 2026-04-01. Review status: criteria provided, single submitter. Criteria: CeGaT Center For Human Genetics Tuebingen Variant Classification Criteria Version 2. Collection method: clinical testing. Allele origin: germline. Affected: yes. Observed: 1 variant allele.
Comment: PDHA1: PM1, PM2, PP2

NM_000284.4(PDHA1):c.197G>C (p.Arg66Thr)

Gene: PDHA1 (pyruvate dehydrogenase E1 subunit alpha 1; plus strand). Cytogenetic location: Xp22.12.
Variant type: single nucleotide variant.
Coding change: c.197G>C on transcript NM_000284.4 (MANE Select); coding-DNA position 197, G replaced by C.
Protein change: p.Arg66Thr; replaces arginine 66 with threonine.
Molecular consequence: missense variant.
Genome position (GRCh38, 1-based): chrX:19,350,016, G>C. VCF-style: chrX-19350016-G-C. GRCh37 (hg19) VCF-style: chrX-19368134-G-C.
Other names: c.311G>C, p.Arg104Thr (NM_001173454.2); c.197G>C, p.Arg66Thr (NM_001173455.2, NM_001173456.2); short protein forms R104T, R66T.
Identifiers: ClinVar variation 4874437 (VCV004874437.2).